The following is an entry in ClinVar:

NM_002907.4(RECQL):c.613G>C (p.Glu205Gln)

Gene: RECQL (RecQ like helicase; minus strand). Cytogenetic location: 12p12.1.
Variant type: single nucleotide variant.
Coding change: c.613G>C on transcript NM_002907.4 (MANE Select); coding-DNA position 613, G replaced by C.
Protein change: p.Glu205Gln; replaces glutamic acid 205 with glutamine.
Molecular consequence: missense variant.
Genome position (GRCh38, 1-based): chr12:21,483,463, C>G on the plus strand (G>C on the coding strand, the complement: RECQL is on the minus strand). VCF-style: chr12-21483463-C-G. GRCh37 (hg19) VCF-style: chr12-21636397-C-G.
Other names: c.613G>C, p.Glu205Gln (NM_032941.3); short protein forms E205Q.
Identifiers: ClinVar variation 2443652 (VCV002443652.3), dbSNP rs1298732040, ClinGen allele CA384127202.

ClinVar aggregate classification (germline): Uncertain significance. Review status: criteria provided, multiple submitters, no conflicts (2 of 4 stars). 2 submissions from 2 submitters: Uncertain significance (2). Last evaluated 2023-07-13.

Allele frequency attached by ClinVar (database versions not stated): gnomAD exomes below 0.00001.
gnomAD v4.1: 3 of 1,603,566 alleles (0.00019%); highest among the groups gnomAD compares: Non-Finnish European, 0.00025%; no homozygotes.

Submissions (2):

Ambry Genetics
Classification: Uncertain significance. Last evaluated: 2023-07-13. Review status: criteria provided, single submitter. Criteria: Ambry Variant Classification Scheme 2023. Collection method: clinical testing. Allele origin: germline.
Comment: The p.E205Q variant (also known as c.613G>C), located in coding exon 5 of the RECQL gene, results from a G to C substitution at nucleotide position 613. The glutamic acid at codon 205 is replaced by glutamine, an amino acid with highly similar properties. This amino acid position is conserved. In addition, the in silico prediction for this alteration is inconclusive. Since supporting evidence is limited at this time, the clinical significance of this alteration remains unclear.

GeneDx
Classification: Uncertain significance. Last evaluated: 2022-09-08. Review status: criteria provided, single submitter. Criteria: GeneDx Variant Classification Process June 2021. Collection method: clinical testing. Allele origin: germline. Affected: yes.
Comment: Not observed at significant frequency in large population cohorts (gnomAD); In silico analysis supports that this missense variant does not alter protein structure/function; Has not been previously published as pathogenic or benign to our knowledge; This variant is associated with the following publications: (PMID: 19151156, 27248010)